The following is an entry in ClinVar:

NM_001008216.2(GALE):c.352-1G>C

Gene: GALE (UDP-galactose-4-epimerase; minus strand). Cytogenetic location: 1p36.11.
Variant type: single nucleotide variant.
Coding change: c.352-1G>C on transcript NM_001008216.2 (MANE Select); the canonical splice acceptor site of the intron before coding-DNA position 352, G replaced by C.
Molecular consequence: splice acceptor variant.
Genome position (GRCh38, 1-based): chr1:23,797,872, C>G on the plus strand (G>C on the coding strand, the complement: GALE is on the minus strand). VCF-style: chr1-23797872-C-G. GRCh37 (hg19) VCF-style: chr1-24124362-C-G.
Other names: c.352-1G>C (NM_000403.4, NM_001127621.2).
Identifiers: ClinVar variation 3370425 (VCV003370425.1).

ClinVar aggregate classification (germline): Likely pathogenic (0 of 4 stars; one submission).

Conditions:
UDPglucose-4-epimerase deficiency. Also called: GALACTOSEMIA III; GALE DEFICIENCY; Galactose epimerase deficiency; UDP-GALACTOSE-4-EPIMERASE DEFICIENCY; Epimerase Deficiency Galactosemia; UDPglucose 4-Epimerase Deficiency Disease. Identifiers: Orphanet 352, Orphanet 79238, MedGen C0751161, MONDO:0009257, OMIM 230350.

Submission:

Department of Genetics, Suzhou Beikang Medical Laboratory
Classification: Likely pathogenic for UDPglucose-4-epimerase deficiency. Last evaluated: 2024-10-31. Review status: no assertion criteria provided. Collection method: clinical testing. Allele origin: germline. Affected: no.
Comment: In summary, the currently available evidence indicates that the variant is pathogenic, but additional data are needed to prove that conclusively. Therefore, this variant has been classified as Likely Pathogenic.This variant is not present in population databases (gnomAD no frequency). This variant has not been reported in the literature in individuals affected with Galactose epimerase deficiency.This sequence change affects an acceptor splice site in intron 5 of the GALE gene. It is expected to disrupt RNA splicing. Variants that disrupt the donor or acceptor splice site typically lead to a loss of protein function (PMID: 16199547), and loss-of-function variants in GALE are known to be pathogenic (PMID: 16301867). Algorithms developed to predict the effect of sequence changes on RNA splicing suggest that this variant may disrupt the consensus splice site.